The following is an entry in ClinVar:

ClinVar aggregate classification (germline): Pathogenic (1 of 4 stars; one submission).

Conditions:
Ataxia-telangiectasia syndrome (AT). Also called: Cerebello-oculocutaneous telangiectasia; Immunodeficiency with ataxia telangiectasia; Ataxia telangiectasia (A-T); LOUIS-BAR SYNDROME; Ataxia-telangiectasia, complementation group D; AT, COMPLEMENTATION GROUP C. Identifiers: Orphanet 100, MedGen C0004135, MONDO:0008840, OMIM 208900.

Submission:

Labcorp Genetics (formerly Invitae), Labcorp
Classification: Pathogenic for Ataxia-telangiectasia syndrome. Last evaluated: 2024-01-03. Review status: criteria provided, single submitter. Criteria: Invitae Variant Classification Sherloc (09022015). Collection method: clinical testing. Allele origin: germline.
Comment: This sequence change creates a premature translational stop signal (p.Gln1640*) in the ATM gene. It is expected to result in an absent or disrupted protein product. Loss-of-function variants in ATM are known to be pathogenic (PMID: 23807571, 25614872). This variant is not present in population databases (gnomAD no frequency). This variant has not been reported in the literature in individuals affected with ATM-related conditions. ClinVar contains an entry for this variant (Variation ID: 2009789). Algorithms developed to predict the effect of sequence changes on RNA splicing suggest that this variant may disrupt the consensus splice site. For these reasons, this variant has been classified as Pathogenic.

Literature cited by the submitters: PubMed 23807571; PubMed 25614872.

NM_000051.4(ATM):c.4918C>T (p.Gln1640Ter)

Gene: ATM (ATM serine/threonine kinase; plus strand). Cytogenetic location: 11q22.3.
Variant type: single nucleotide variant.
Coding change: c.4918C>T on transcript NM_000051.4 (MANE Select); coding-DNA position 4918, C replaced by T.
Protein change: p.Gln1640Ter; replaces glutamine 1640 with a stop codon.
Molecular consequence: nonsense.
Genome position (GRCh38, 1-based): chr11:108,297,295, C>T. VCF-style: chr11-108297295-C-T. GRCh37 (hg19) VCF-style: chr11-108168022-C-T.
Other names: c.4918C>T, p.Gln1640Ter (NM_001351834.2); short protein forms Q1640*.
Identifiers: ClinVar variation 2009789 (VCV002009789.4), dbSNP rs2135861273, ClinGen allele CA382538029.